The following is an entry in ClinVar:

NM_183381.3(RNF13):c.902A>T (p.Glu301Val)

Gene: RNF13 (ring finger protein 13; plus strand). Cytogenetic location: 3q25.1.
Variant type: single nucleotide variant.
Coding change: c.902A>T on transcript NM_183381.3 (MANE Select); coding-DNA position 902, A replaced by T.
Protein change: p.Glu301Val; replaces glutamic acid 301 with valine.
Molecular consequence: missense variant. On other transcripts: non-coding transcript variant (1).
Genome position (GRCh38, 1-based): chr3:149,960,860, A>T. VCF-style: chr3-149960860-A-T. GRCh37 (hg19) VCF-style: chr3-149678647-A-T.
Other names: c.902A>T, p.Glu301Val (NM_001378285.1, NM_001378286.1, NM_007282.4); c.545A>T, p.Glu182Val (NM_001378287.1, NM_001378288.1, NM_001378289.1 and 2 more transcripts); c.509A>T, p.Glu170Val (NM_001378291.1); short protein forms E301V, E182V, E170V.
Identifiers: ClinVar variation 4768828 (VCV004768828.1).

ClinVar aggregate classification (germline): Uncertain significance (1 of 4 stars; one submission).

Submission:

Labcorp Genetics (formerly Invitae), Labcorp
Classification: Uncertain significance. Last evaluated: 2025-06-09. Review status: criteria provided, single submitter. Criteria: Invitae Variant Classification Sherloc (09022015). Collection method: clinical testing. Allele origin: germline.
Comment: This sequence change replaces glutamic acid, which is acidic and polar, with valine, which is neutral and non-polar, at codon 301 of the RNF13 protein (p.Glu301Val). This variant is not present in population databases (gnomAD no frequency). This variant has not been reported in the literature in individuals affected with RNF13-related conditions. An algorithm developed to predict the effect of missense changes on protein structure and function (PolyPhen-2) suggests that this variant is likely to be tolerated. In summary, the available evidence is currently insufficient to determine the role of this variant in disease. Therefore, it has been classified as a Variant of Uncertain Significance.